The following is an entry in ClinVar:

ClinVar aggregate classification (germline): Likely benign (1 of 4 stars; one submission).

Allele frequency attached by ClinVar (database versions not stated): gnomAD exomes below 0.00001.
gnomAD v4.1: 4 of 1,111,676 alleles (0.00036%); highest among the groups gnomAD compares: South Asian, 0.0022%; 1 homozygote.

Submission:

CeGaT Center for Human Genetics Tuebingen
Classification: Likely benign. Last evaluated: 2022-09-01. Review status: criteria provided, single submitter. Criteria: CeGaT Center For Human Genetics Tuebingen Variant Classification Criteria Version 2. Collection method: clinical testing. Allele origin: germline. Affected: yes. Observed: 1 variant allele.
Comment: DRD4: BP4, BP7

NM_000797.4(DRD4):c.843C>A (p.Ala281=)

Gene: DRD4 (dopamine receptor D4; plus strand). Cytogenetic location: 11p15.5.
Variant type: single nucleotide variant.
Coding change: c.843C>A on transcript NM_000797.4 (MANE Select); coding-DNA position 843, C replaced by A.
Protein change: p.Ala281=; no amino-acid change (alanine 281 retained).
Molecular consequence: synonymous variant.
Genome position (GRCh38, 1-based): chr11:640,092, C>A. VCF-style: chr11-640092-C-A. GRCh37 (hg19) VCF-style: chr11-640092-C-A.
Identifiers: ClinVar variation 2641082 (VCV002641082.24), dbSNP rs1486316960, ClinGen allele CA472436949.
Genomic context (GRCh38, chr11:640,092, plus strand): 5'-CTGTGCGCCCCCCGCGCCCGGCCTTCCCCGGGGTCCCTGCGGCCCCGACTGTGCGCCCGC[C>A]GCGCCCAGCCTCCCCCAGGACCCCTGCGGCCCCGACTGTGCGCCCCCCGCGCCCGGCCTC-3'
Protein context (NP_000788.2, residues 271-291): RGPCGPDCAP[Ala281=]APSLPQDPCG